The following is an entry in ClinVar:

ClinVar aggregate classification (germline): Likely benign (1 of 4 stars; one submission).

gnomAD v4.1: 147 of 1,614,110 alleles (0.0091%); highest among the groups gnomAD compares: Non-Finnish European, 0.012%; no homozygotes.

Submission:

CeGaT Center for Human Genetics Tuebingen
Classification: Likely benign. Last evaluated: 2026-04-01. Review status: criteria provided, single submitter. Criteria: CeGaT Center For Human Genetics Tuebingen Variant Classification Criteria Version 2. Collection method: clinical testing. Allele origin: germline. Affected: yes. Observed: 1 variant allele.
Comment: ADGRL1: BP4, BP7

NM_014921.5(ADGRL1):c.198G>A (p.Thr66=)

Gene: ADGRL1 (adhesion G protein-coupled receptor L1; minus strand). Cytogenetic location: 19p13.12.
Variant type: single nucleotide variant.
Coding change: c.198G>A on transcript NM_014921.5 (MANE Select); coding-DNA position 198, G replaced by A.
Protein change: p.Thr66=; no amino-acid change (threonine 66 retained).
Molecular consequence: synonymous variant.
Genome position (GRCh38, 1-based): chr19:14,177,617, C>T on the plus strand (G>A on the coding strand, the complement: ADGRL1 is on the minus strand). VCF-style: chr19-14177617-C-T. GRCh37 (hg19) VCF-style: chr19-14288429-C-T.
Other names: c.198G>A, p.Thr66= (NM_001008701.3).
Identifiers: ClinVar variation 4872012 (VCV004872012.2).
Genomic context (GRCh38, chr19:14,177,617, plus strand): 5'-CGGCAGGTAGCACTGCACATTCTCCATCTGGAAAGGGTCAGCATCGCAAATCTTGTCGTC[C>T]GTGCGCCCGTAGTTGGCATTCTCCACCATGATGACGTCGCTGCCGGGGCACCGCAGCTCG-3'
Protein context (NP_055736.2, residues 56-76): IMVENANYGR[Thr66=]DDKICDADPF